The following is an entry in ClinVar:

NM_000552.5(VWF):c.1945+15T>A

Gene: VWF (von Willebrand factor; minus strand). Cytogenetic location: 12p13.31.
Variant type: single nucleotide variant.
Coding change: c.1945+15T>A on transcript NM_000552.5 (MANE Select); 15 bases into the intron after coding-DNA position 1945, T replaced by A.
Molecular consequence: intron variant.
Genome position (GRCh38, 1-based): chr12:6,056,842, A>T on the plus strand (T>A on the coding strand, the complement: VWF is on the minus strand). VCF-style: chr12-6056842-A-T. GRCh37 (hg19) VCF-style: chr12-6166008-A-T.
Identifiers: ClinVar variation 310078 (VCV000310078.6), dbSNP rs71582861, ClinGen allele CA6403240.

ClinVar aggregate classification (germline): Benign/Likely benign. Review status: criteria provided, multiple submitters, no conflicts (2 of 4 stars). 2 submissions from 2 submitters: Benign (1); Likely benign (1). Last evaluated 2025-07-22.

Conditions:
Hereditary von Willebrand disease. Identifiers: Orphanet 903, MedGen C5703318, MONDO:0019565. Inheritance: Autosomal recessive or Autosomal dominant.

Allele frequency attached by ClinVar (database versions not stated): ExAC below 0.00001; gnomAD exomes 0.00181 and 0.00195; gnomAD 0.02033 and 0.02177; 1000 Genomes Project 0.02137; 1000 Genomes Project 30x 0.02202; TOPMed 0.02262.
gnomAD v4.1: 5,474 of 1,374,182 alleles (0.4%); highest among the groups gnomAD compares: African/African-American, 6.7%; 160 homozygotes.

Submissions (2):

ARUP Laboratories, Molecular Genetics and Genomics, ARUP Laboratories
Classification: Benign. Last evaluated: 2025-07-22. Review status: criteria provided, single submitter. Criteria: ARUP Molecular Germline Variant Investigation Process 2024. Collection method: clinical testing. Allele origin: germline.

Illumina Laboratory Services, Illumina
Classification: Likely benign for von Willebrand disorder. Last evaluated: 2018-01-13. Review status: criteria provided, single submitter. Criteria: ICSL Variant Classification Criteria 13 December 2019. Collection method: clinical testing. Allele origin: germline.
Comment: This variant was observed in the ICSL laboratory as part of a predisposition screen in an ostensibly healthy population. It had not been previously curated by ICSL or reported in the Human Gene Mutation Database (HGMD: prior to June 1st, 2018), and was therefore a candidate for classification through an automated scoring system. Utilizing variant allele frequency, disease prevalence and penetrance estimates, and inheritance mode, an automated score was calculated to assess if this variant is too frequent to cause the disease. Based on the score and internal cut-off values, a variant classified as likely benign is not then subjected to further curation. The score for this variant resulted in a classification of likely benign for this disease.